The following is an entry in ClinVar:

NM_005002.5(NDUFA9):c.770A>G (p.Asp257Gly)

Gene: NDUFA9 (NADH:ubiquinone oxidoreductase subunit A9; plus strand). Cytogenetic location: 12p13.32.
Variant type: single nucleotide variant.
Coding change: c.770A>G on transcript NM_005002.5 (MANE Select); coding-DNA position 770, A replaced by G.
Protein change: p.Asp257Gly; replaces aspartic acid 257 with glycine.
Molecular consequence: missense variant.
Genome position (GRCh38, 1-based): chr12:4,669,787, A>G. VCF-style: chr12-4669787-A-G. GRCh37 (hg19) VCF-style: chr12-4778953-A-G.
Other names: short protein forms D257G.
Identifiers: ClinVar variation 2791088 (VCV002791088.4), dbSNP rs755972689, ClinGen allele CA231828879.

ClinVar aggregate classification (germline): Uncertain significance. Review status: criteria provided, multiple submitters, no conflicts (2 of 4 stars). 2 submissions from 2 submitters: Uncertain significance (2). Last evaluated 2022-11-29.

Conditions:
Inborn genetic diseases. Identifiers: MedGen C0950123, MeSH D030342.

Allele frequency attached by ClinVar (database versions not stated): gnomAD 0.00004; TOPMed 0.00005.

Submissions (2):

Labcorp Genetics (formerly Invitae), Labcorp
Classification: Uncertain significance. Last evaluated: 2022-11-29. Review status: criteria provided, single submitter. Criteria: Invitae Variant Classification Sherloc (09022015). Collection method: clinical testing. Allele origin: germline.
Comment: Algorithms developed to predict the effect of missense changes on protein structure and function are either unavailable or do not agree on the potential impact of this missense change (SIFT: "Deleterious"; PolyPhen-2: "Benign"; Align-GVGD: "Class C0"). This variant has not been reported in the literature in individuals affected with NDUFA9-related conditions. This sequence change replaces aspartic acid, which is acidic and polar, with glycine, which is neutral and non-polar, at codon 257 of the NDUFA9 protein (p.Asp257Gly). This variant is present in population databases (no rsID available, gnomAD 0.007%). In summary, the available evidence is currently insufficient to determine the role of this variant in disease. Therefore, it has been classified as a Variant of Uncertain Significance.

Ambry Genetics
Classification: Uncertain significance for Inborn genetic diseases. Last evaluated: 2021-10-26. Review status: criteria provided, single submitter. Criteria: Ambry Variant Classification Scheme 2023. Collection method: clinical testing. Allele origin: germline.